The following is an entry in ClinVar:

ClinVar aggregate classification (germline): Uncertain significance (1 of 4 stars; one submission).

Conditions:
Hereditary cancer-predisposing syndrome. Also called: Hereditary Cancer Syndrome; Tumor predisposition; Neoplastic Syndromes, Hereditary; Hereditary neoplastic syndrome. Identifiers: Orphanet 140162, MedGen C0027672, MeSH D009386, MONDO:0015356.

Submission:

Ambry Genetics
Classification: Uncertain significance for Hereditary cancer-predisposing syndrome. Last evaluated: 2026-02-11. Review status: criteria provided, single submitter. Criteria: Ambry Variant Classification Scheme 2023. Collection method: clinical testing. Allele origin: germline.
Comment: The c.3853-3T>C intronic variant results from a T to C substitution 3 nucleotides upstream from coding exon 19 in the MET gene. This nucleotide position is not well conserved in available vertebrate species. In silico splice site analysis predicts that this alteration will not have any significant effect on splicing. Based on the available evidence, the clinical significance of this variant remains unclear.

NM_000245.4(MET):c.3799-3T>C

Gene: MET (MET proto-oncogene, receptor tyrosine kinase; plus strand). Cytogenetic location: 7q31.2.
Variant type: single nucleotide variant.
Coding change: c.3799-3T>C on transcript NM_000245.4 (MANE Select); 3 bases into the intron before coding-DNA position 3799, T replaced by C.
Molecular consequence: intron variant.
Genome position (GRCh38, 1-based): chr7:116,795,652, T>C. VCF-style: chr7-116795652-T-C. GRCh37 (hg19) VCF-style: chr7-116435706-T-C.
Other names: c.3853-3T>C (NM_001127500.3); c.2509-3T>C (NM_001324402.2).
Identifiers: ClinVar variation 824304 (VCV000824304.5), dbSNP rs1584977801, ClinGen allele CA915945454.